The following is an entry in ClinVar:

NM_019098.5(CNGB3):c.1479A>C (p.Leu493=)

Gene: CNGB3 (cyclic nucleotide gated channel subunit beta 3; minus strand). Cytogenetic location: 8q21.3.
Variant type: single nucleotide variant.
Coding change: c.1479A>C on transcript NM_019098.5 (MANE Select); coding-DNA position 1479, A replaced by C.
Protein change: p.Leu493=; no amino-acid change (leucine 493 retained).
Molecular consequence: synonymous variant.
Genome position (GRCh38, 1-based): chr8:86,628,920, T>G on the plus strand (A>C on the coding strand, the complement: CNGB3 is on the minus strand). VCF-style: chr8-86628920-T-G. GRCh37 (hg19) VCF-style: chr8-87641148-T-G.
Identifiers: ClinVar variation 2184159 (VCV002184159.1), dbSNP rs2538082420, ClinGen allele CA461812817.
Genomic context (GRCh38, chr8:86,628,920, plus strand): 5'-AGAATTTTCATCATATGACAAGGTTTACAGGAATTTAATCGGTAATCTGCCATGCTTACC[T>G]AGCATTCTTTGAGAGTCCCATGTATATTCATACCAAGTCCGAACTCGCTTTTGCACAAGT-3'
Protein context (NP_061971.3, residues 483-503): YEYTWDSQRM[Leu493=]DESDLLKTLP

ClinVar aggregate classification (germline): Uncertain significance (1 of 4 stars; one submission).

Submission:

Labcorp Genetics (formerly Invitae), Labcorp
Classification: Uncertain significance. Last evaluated: 2022-03-26. Review status: criteria provided, single submitter. Criteria: Invitae Variant Classification Sherloc (09022015). Collection method: clinical testing. Allele origin: germline.
Comment: This sequence change affects codon 493 of the CNGB3 mRNA. It is a 'silent' change, meaning that it does not change the encoded amino acid sequence of the CNGB3 protein. It affects a nucleotide within the consensus splice site. This variant is not present in population databases (gnomAD no frequency). This variant has not been reported in the literature in individuals affected with CNGB3-related conditions. Algorithms developed to predict the effect of sequence changes on RNA splicing suggest that this variant is not likely to affect RNA splicing. In summary, the available evidence is currently insufficient to determine the role of this variant in disease. Therefore, it has been classified as a Variant of Uncertain Significance.